The following is an entry in ClinVar:

NM_004168.4(SDHA):c.457-3C>T

Gene: SDHA (succinate dehydrogenase complex flavoprotein subunit A; plus strand). Cytogenetic location: 5p15.33.
Variant type: single nucleotide variant.
Coding change: c.457-3C>T on transcript NM_004168.4 (MANE Select); 3 bases into the intron before coding-DNA position 457, C replaced by T.
Molecular consequence: intron variant.
Genome position (GRCh38, 1-based): chr5:225,880, C>T. VCF-style: chr5-225880-C-T. GRCh37 (hg19) VCF-style: chr5-225995-C-T.
Other names: c.457-3C>T (NM_004168.2, NM_001330758.2); c.313-3C>T (NM_001294332.2).
Identifiers: ClinVar variation 2934157 (VCV002934157.4), dbSNP rs2477298540, ClinGen allele CA2672967755.
Genomic context (GRCh38, chr5:225,880, plus strand): 5'-TAGCTGCGAATATCTTGACTCCTTTAAGGTGTTAAGGTTTTTGTTTGTTTTTATCTTTCA[C>T]AGCTAGAAAATTATGGCATGCCGTTTAGCAGAACTGAAGATGGGAAGATTTATCAGCGTG-3'

ClinVar aggregate classification (germline): Uncertain significance. Review status: criteria provided, multiple submitters, no conflicts (2 of 4 stars). 2 submissions from 2 submitters: Uncertain significance (2). Last evaluated 2024-10-18.

Conditions:
Mitochondrial complex II deficiency, nuclear type 1. Also called: SUCCINATE CoQ REDUCTASE DEFICIENCY. Identifiers: Orphanet 3208, MedGen C5700310, MONDO:0100294, OMIM 252011.
Pheochromocytoma/paraganglioma syndrome 5. Also called: Paragangliomas 5; SDHA-Related Hereditary Paraganglioma-Pheochromocytoma Syndrome. Identifiers: Orphanet 29072, MedGen C3279992, MONDO:0013602, OMIM 614165.
Hereditary cancer-predisposing syndrome. Also called: Neoplastic Syndromes, Hereditary; Tumor predisposition; Hereditary Cancer Syndrome; Hereditary neoplastic syndrome. Identifiers: Orphanet 140162, MedGen C0027672, MeSH D009386, MONDO:0015356.

Allele frequency attached by ClinVar (database versions not stated): gnomAD exomes below 0.00001.
gnomAD v4.1: 1 of 1,612,488 alleles (0.000062%); highest among the groups gnomAD compares: Non-Finnish European, 0.000085%; no homozygotes.

Submissions (2):

Ambry Genetics
Classification: Uncertain significance for Hereditary cancer-predisposing syndrome. Last evaluated: 2024-10-18. Review status: criteria provided, single submitter. Criteria: Ambry Variant Classification Scheme 2023. Collection method: clinical testing. Allele origin: germline.
Comment: The c.457-3C>T intronic variant results from a C to T substitution 3 nucleotides upstream from coding exon 5 in the SDHA gene. This nucleotide position is well conserved in available vertebrate species. In silico splice site analysis for this alteration is inconclusive. Based on the available evidence, the clinical significance of this variant remains unclear.

Labcorp Genetics (formerly Invitae), Labcorp
Classification: Uncertain significance for Pheochromocytoma/paraganglioma syndrome 5; Mitochondrial complex II deficiency, nuclear type 1. Last evaluated: 2023-06-16. Review status: criteria provided, single submitter. Criteria: Invitae Variant Classification Sherloc (09022015). Collection method: clinical testing. Allele origin: germline.
Comment: This sequence change falls in intron 4 of the SDHA gene. It does not directly change the encoded amino acid sequence of the SDHA protein. It affects a nucleotide within the consensus splice site. This variant is not present in population databases (gnomAD no frequency). In summary, the available evidence is currently insufficient to determine the role of this variant in disease. Therefore, it has been classified as a Variant of Uncertain Significance. Variants that disrupt the consensus splice site are a relatively common cause of aberrant splicing (PMID: 17576681, 9536098). Algorithms developed to predict the effect of sequence changes on RNA splicing suggest that this variant is not likely to affect RNA splicing. This variant has not been reported in the literature in individuals affected with SDHA-related conditions.

Literature cited by the submitters: PubMed 17576681 (cited by Labcorp Genetics (formerly Invitae), Labcorp); PubMed 9536098 (cited by Labcorp Genetics (formerly Invitae), Labcorp).